The following is an entry in ClinVar:

NM_000057.4(BLM):c.2494A>T (p.Thr832Ser)

Gene: BLM (BLM RecQ like helicase; plus strand). Cytogenetic location: 15q26.1.
Variant type: single nucleotide variant.
Coding change: c.2494A>T on transcript NM_000057.4 (MANE Select); coding-DNA position 2494, A replaced by T.
Protein change: p.Thr832Ser; replaces threonine 832 with serine.
Molecular consequence: missense variant.
Genome position (GRCh38, 1-based): chr15:90,769,525, A>T. VCF-style: chr15-90769525-A-T. GRCh37 (hg19) VCF-style: chr15-91312755-A-T.
Other names: c.2494A>T, p.Thr832Ser (NM_001287246.2, NM_001287247.2); c.1369A>T, p.Thr457Ser (NM_001287248.2); short protein forms T457S, T832S.
Identifiers: ClinVar variation 1792116 (VCV001792116.3), dbSNP rs2505456944, ClinGen allele CA393845441.

ClinVar aggregate classification (germline): Uncertain significance (1 of 4 stars; one submission).

Conditions:
Hereditary cancer-predisposing syndrome. Also called: Hereditary Cancer Syndrome; Hereditary neoplastic syndrome; Tumor predisposition; Neoplastic Syndromes, Hereditary. Identifiers: Orphanet 140162, MedGen C0027672, MeSH D009386, MONDO:0015356.

Submission:

Ambry Genetics
Classification: Uncertain significance for Hereditary cancer-predisposing syndrome. Last evaluated: 2025-10-02. Review status: criteria provided, single submitter. Criteria: Ambry Variant Classification Scheme 2023. Collection method: clinical testing. Allele origin: germline.
Comment: The p.T832S variant (also known as c.2494A>T), located in coding exon 11 of the BLM gene, results from an A to T substitution at nucleotide position 2494. The threonine at codon 832 is replaced by serine, an amino acid with similar properties. This amino acid position is conserved. In addition, this alteration is predicted to be deleterious by in silico analysis. Since supporting evidence is limited at this time, the clinical significance of this alteration remains unclear.